The following is an entry in ClinVar:

ClinVar aggregate classification (germline): Uncertain significance (1 of 4 stars; one submission).

Allele frequency attached by ClinVar (database versions not stated): gnomAD exomes below 0.00001.
gnomAD v4.1: 1 of 1,607,734 alleles (0.000062%); highest among the groups gnomAD compares: Admixed American, 0.0017%; no homozygotes.

Submission:

Labcorp Genetics (formerly Invitae), Labcorp
Classification: Uncertain significance. Last evaluated: 2022-06-17. Review status: criteria provided, single submitter. Criteria: Invitae Variant Classification Sherloc (09022015). Collection method: clinical testing. Allele origin: germline.
Comment: In summary, the available evidence is currently insufficient to determine the role of this variant in disease. Therefore, it has been classified as a Variant of Uncertain Significance. Algorithms developed to predict the effect of missense changes on protein structure and function are either unavailable or do not agree on the potential impact of this missense change (SIFT: "Deleterious"; PolyPhen-2: "Benign"; Align-GVGD: "Class C0"). This variant has not been reported in the literature in individuals affected with HMCN1-related conditions. This variant is not present in population databases (gnomAD no frequency). This sequence change replaces threonine, which is neutral and polar, with isoleucine, which is neutral and non-polar, at codon 2204 of the HMCN1 protein (p.Thr2204Ile).

NM_031935.3(HMCN1):c.6611C>T (p.Thr2204Ile)

Gene: HMCN1 (hemicentin 1; plus strand). Cytogenetic location: 1q31.1.
Variant type: single nucleotide variant.
Coding change: c.6611C>T on transcript NM_031935.3 (MANE Select); coding-DNA position 6611, C replaced by T.
Protein change: p.Thr2204Ile; replaces threonine 2204 with isoleucine.
Molecular consequence: missense variant.
Genome position (GRCh38, 1-based): chr1:186,052,985, C>T. VCF-style: chr1-186052985-C-T. GRCh37 (hg19) VCF-style: chr1-186022117-C-T.
Other names: short protein forms T2204I.
Identifiers: ClinVar variation 2069444 (VCV002069444.4), dbSNP rs2527706976, ClinGen allele CA343900967.